The following is an entry in ClinVar:

NM_001136193.2(FASTKD2):c.182T>C (p.Leu61Ser)

Gene: FASTKD2 (FAST kinase domains 2; plus strand). Cytogenetic location: 2q33.3.
Variant type: single nucleotide variant.
Coding change: c.182T>C on transcript NM_001136193.2 (MANE Select); coding-DNA position 182, T replaced by C.
Protein change: p.Leu61Ser; replaces leucine 61 with serine.
Molecular consequence: missense variant.
Genome position (GRCh38, 1-based): chr2:206,766,875, T>C. VCF-style: chr2-206766875-T-C. GRCh37 (hg19) VCF-style: chr2-207631599-T-C.
Other names: p.L61S:TTA>TCA; c.182T>C, p.Leu61Ser (NM_001136194.2, NM_014929.4); short protein forms L61S.
Identifiers: ClinVar variation 214342 (VCV000214342.1), dbSNP rs863223960, ClinGen allele CA321206.

ClinVar aggregate classification (germline): Likely benign (1 of 4 stars; one submission).

Allele frequency attached by ClinVar (database versions not stated): gnomAD exomes below 0.00001.
gnomAD v4.1: 1 of 1,601,718 alleles (0.000062%); highest among the groups gnomAD compares: Middle Eastern, 0.017%; no homozygotes.

Submission:

GeneDx
Classification: Likely benign. Last evaluated: 2012-09-11. Review status: criteria provided, single submitter. Criteria: GeneDx Variant Classification (06012015). Collection method: clinical testing. Allele origin: germline. Affected: yes.
Comment: This variant is considered likely benign or benign based on one or more of the following criteria: it is a conservative change, it occurs at a poorly conserved position in the protein, it is predicted to be benign by multiple in silico algorithms, and/or has population frequency not consistent with disease.